The following is an entry in ClinVar:

ClinVar aggregate classification (germline): Uncertain significance (1 of 4 stars; one submission).

Conditions:
Autosomal recessive nonsyndromic hearing loss 3. Also called: NEUROSENSORY NONSYNDROMIC RECESSIVE DEAFNESS 3. Identifiers: Orphanet 90636, MedGen C1838263, MONDO:0010860, OMIM 600316.

Submission:

3billion
Classification: Uncertain significance for Autosomal recessive nonsyndromic hearing loss 3. Last evaluated: 2022-05-22. Review status: criteria provided, single submitter. Criteria: ACMG Guidelines, 2015. Collection method: clinical testing. Allele origin: germline. Affected: yes. Observed: 1 homozygote.
Comment: The variant was co-segregated with Deafness, autosomal recessive 3 in multiple affected family members (PMID: 25792667). In silico prediction tools and conservation analysis predicted that this variant was probably damaging to the protein structure/function (REVEL: 0.936>=0.6, SPLICEAI: 0.73). . It is absent from the gnomAD v2.1.1 dataset. Amino acid change identical to known pathogenic variant has been previously reported with supporting evidence; this might be considered evidence of a supporting level (PMID:25792667). Therefore, this variant is classified as uncertain significanceaccording to the recommendation of ACMG/AMP guideline.

Literature cited by the submitters: PubMed 25792667.

NM_016239.4(MYO15A):c.9517G>A (p.Gly3173Arg)

Gene: MYO15A (myosin XVA; plus strand). Cytogenetic location: 17p11.2.
Variant type: single nucleotide variant.
Coding change: c.9517G>A on transcript NM_016239.4 (MANE Select); coding-DNA position 9517, G replaced by A.
Protein change: p.Gly3173Arg; replaces glycine 3173 with arginine.
Molecular consequence: missense variant.
Genome position (GRCh38, 1-based): chr17:18,161,447, G>A. VCF-style: chr17-18161447-G-A. GRCh37 (hg19) VCF-style: chr17-18064761-G-A.
Other names: short protein forms G3173R.
Identifiers: ClinVar variation 1687502 (VCV001687502.1), dbSNP rs2046776291, ClinGen allele CA398637034.
Genomic context (GRCh38, chr17:18,161,447, plus strand): 5'-CACCCACACCTCACTCGCTTCCTCCAAGACGTGAGCCGGACCCCAGGCCTGCCCTTTCAG[G>A]GTGAGAGGTCAATGAGTGGGAACCCAGGGCTGCATGCTTCTCCCTTGGGGACTGGGTGGA-3'
Protein context (NP_057323.3, residues 3163-3183): VSRTPGLPFQ[Gly3173Arg]IAKACEQNLQ